The following is an entry in ClinVar:

ClinVar aggregate classification (germline): Likely pathogenic. Review status: criteria provided, single submitter (1 of 4 stars). 2 submissions from 2 submitters: Likely pathogenic (1). 1 of the submissions does not count toward it. Last evaluated 2023-10-22.

Conditions:
Dilated cardiomyopathy 1G (CMD1G). Identifiers: Orphanet 154, MedGen C1858763, MONDO:0011400, OMIM 604145.
Autosomal recessive limb-girdle muscular dystrophy type 2J (LGMDR10). Also called: Limb-girdle muscular dystrophy, type 2J; MUSCULAR DYSTROPHY, LIMB-GIRDLE, AUTOSOMAL RECESSIVE 10. Identifiers: Orphanet 140922, MedGen C1837342, MONDO:0012127, OMIM 608807.
TTN-related disorder. Also called: TTN-related disorders; TTN-related condition; TTN-related disease.

Allele frequency attached by ClinVar (database versions not stated): gnomAD exomes below 0.00001; gnomAD 0.00001.
gnomAD v4.1: 3 of 1,613,408 alleles (0.00019%); highest among the groups gnomAD compares: African/African-American, 0.0013%; no homozygotes.

Submissions (2):

Labcorp Genetics (formerly Invitae), Labcorp
Classification: Likely pathogenic for Dilated cardiomyopathy 1G; Autosomal recessive limb-girdle muscular dystrophy type 2J. Last evaluated: 2023-10-22. Review status: criteria provided, single submitter. Criteria: Invitae Variant Classification Sherloc (09022015). Collection method: clinical testing. Allele origin: germline.
Comment: This sequence change creates a premature translational stop signal (p.Arg26628*) in the TTN gene. While this is not anticipated to result in nonsense mediated decay, it is expected to create a truncated TTN protein. This variant is present in population databases (no rsID available, gnomAD 0.0009%). This variant has not been reported in the literature in individuals affected with TTN-related conditions. ClinVar contains an entry for this variant (Variation ID: 1067502). This variant is located in the A band of TTN (PMID: 25589632). Truncating variants in this region are significantly overrepresented in patients affected with dilated cardiomyopathy (PMID: 25589632). Truncating variants in this region have also been reported in individuals affected with autosomal recessive centronuclear myopathy (PMID: 23975875). In summary, the currently available evidence indicates that the variant is pathogenic, but additional data are needed to prove that conclusively. Therefore, this variant has been classified as Likely Pathogenic.

PreventionGenetics, part of Exact Sciences
Classification: Likely pathogenic for TTN-related condition. Last evaluated: 2024-05-22. Review status: no assertion criteria provided. Collection method: clinical testing. Allele origin: germline. Not counted in ClinVar's aggregate classification.
Comment: The TTN c.79882C>T variant is predicted to result in premature protein termination (p.Arg26628*). To our knowledge, this variant has not been reported in the literature. This variant is reported in one allele out of ~249,000 alleles in gnomAD. This variant is located in the A-band region of the TTN protein and other truncating variants in this exon have previously been reported to be pathogenic for autosomal recessive and autosomal dominant TTN-related disorders, including dilated cardiomyopathy, centronuclear myopathy, and muscular dystrophy (Human Gene Mutation Database). RNAseq studies from heart tissue indicate this exon is commonly included in TTN mRNA transcripts (PSI of 95%-100%); however, this analysis in muscle tissue was not performed (Roberts et al. 2015. PubMed ID: 25589632). TTN truncating variants are reported in 1-2% of presumably healthy individuals and occur more frequently in exons with low PSI values, indicating this variant is more likely to be disease causing (Herman et al. 2012. PubMed ID: 22335739; Roberts et al. 2015. PubMed ID: 25589632). In summary, this variant is interpreted as likely pathogenic for both autosomal recessive and autosomal dominant TTN-related disorders.

Literature cited by the submitters: PubMed 25589632 (cited by Labcorp Genetics (formerly Invitae), Labcorp); PubMed 23975875 (cited by Labcorp Genetics (formerly Invitae), Labcorp).

NM_001267550.2(TTN):c.79882C>T (p.Arg26628Ter)

Genes: TTN (titin; minus strand), TTN-AS1 (TTN antisense RNA 1; plus strand). Cytogenetic location: 2q31.2.
Variant type: single nucleotide variant.
Coding change: c.79882C>T on transcript NM_001267550.2 (MANE Select); coding-DNA position 79882, C replaced by T.
Protein change: p.Arg26628Ter; replaces arginine 26628 with a stop codon.
Molecular consequence: nonsense.
Genome position (GRCh38, 1-based): chr2:178,566,250, G>A on the plus strand (C>T on the coding strand, the complement: TTN is on the minus strand). VCF-style: chr2-178566250-G-A. GRCh37 (hg19) VCF-style: chr2-179430977-G-A.
Other names: c.74959C>T, p.Arg24987Ter (NM_001256850.1); c.52687C>T, p.Arg17563Ter (NM_003319.4); c.72178C>T, p.Arg24060Ter (NM_133378.4); c.53062C>T, p.Arg17688Ter (NM_133432.3); c.53263C>T, p.Arg17755Ter (NM_133437.4); short protein forms R17563*, R17688*, R17755*, R24060*, R24987*, R26628*.
Identifiers: ClinVar variation 1067502 (VCV001067502.10), dbSNP rs1373472758, ClinGen allele CA349593133.